The following is an entry in ClinVar:

NM_000264.5(PTCH1):c.3454T>C (p.Phe1152Leu)

Gene: PTCH1 (patched 1; minus strand). Cytogenetic location: 9q22.32.
Variant type: single nucleotide variant.
Coding change: c.3454T>C on transcript NM_000264.5 (MANE Select); coding-DNA position 3454, T replaced by C.
Protein change: p.Phe1152Leu; replaces phenylalanine 1152 with leucine.
Molecular consequence: missense variant. On other transcripts: non-coding transcript variant (1).
Genome position (GRCh38, 1-based): chr9:95,449,936, A>G on the plus strand (T>C on the coding strand, the complement: PTCH1 is on the minus strand). VCF-style: chr9-95449936-A-G. GRCh37 (hg19) VCF-style: chr9-98212218-A-G.
Other names: c.3256T>C, p.Phe1086Leu (NM_001083602.3); c.3451T>C, p.Phe1151Leu (NM_001083603.3); c.3001T>C, p.Phe1001Leu (NM_001083604.3, NM_001083605.3, NM_001083606.3 and 1 more transcripts); c.3298T>C, p.Phe1100Leu (NM_001354918.2); short protein forms F1086L, F1100L, F1001L, F1152L, F1151L.
Identifiers: ClinVar variation 3784647 (VCV003784647.2).

ClinVar aggregate classification (germline): Uncertain significance (1 of 4 stars; one submission).

Conditions:
Hereditary cancer-predisposing syndrome. Also called: Hereditary Cancer Syndrome; Hereditary neoplastic syndrome; Neoplastic Syndromes, Hereditary; Tumor predisposition. Identifiers: Orphanet 140162, MedGen C0027672, MeSH D009386, MONDO:0015356.

Submission:

Ambry Genetics
Classification: Uncertain significance for Hereditary cancer-predisposing syndrome. Last evaluated: 2026-04-22. Review status: criteria provided, single submitter. Criteria: Ambry Variant Classification Scheme 2023. Collection method: clinical testing. Allele origin: germline.
Comment: The p.F1152L variant (also known as c.3454T>C), located in coding exon 21 of the PTCH1 gene, results from a T to C substitution at nucleotide position 3454. The phenylalanine at codon 1152 is replaced by leucine, an amino acid with highly similar properties. This amino acid position is conserved. In addition, this alteration is predicted to be deleterious by in silico analysis. Based on the available evidence, the clinical significance of this variant remains unclear.